The following is an entry in ClinVar:

NM_015057.5(MYCBP2):c.10012A>C (p.Met3338Leu)

Gene: MYCBP2 (MYC binding protein 2; minus strand). Cytogenetic location: 13q22.3.
Variant type: single nucleotide variant.
Coding change: c.10012A>C on transcript NM_015057.5 (MANE Select); coding-DNA position 10012, A replaced by C.
Protein change: p.Met3338Leu; replaces methionine 3338 with leucine.
Molecular consequence: missense variant.
Genome position (GRCh38, 1-based): chr13:77,095,545, T>G on the plus strand (A>C on the coding strand, the complement: MYCBP2 is on the minus strand). VCF-style: chr13-77095545-T-G. GRCh37 (hg19) VCF-style: chr13-77669680-T-G.
Other names: short protein forms M3338L.
Identifiers: ClinVar variation 3363583 (VCV003363583.1).

ClinVar aggregate classification (germline): Uncertain significance (1 of 4 stars; one submission).

gnomAD v4.1: 1 of 1,613,444 alleles (0.000062%); highest among the groups gnomAD compares: African/African-American, 0.0013%; no homozygotes.

Submission:

GeneDx
Classification: Uncertain significance. Last evaluated: 2023-10-28. Review status: criteria provided, single submitter. Criteria: GeneDx Variant Classification Process June 2021. Collection method: clinical testing. Allele origin: germline. Affected: yes.
Comment: Not observed at significant frequency in large population cohorts (gnomAD); In silico analysis supports that this missense variant does not alter protein structure/function; Has not been previously published as pathogenic or benign to our knowledge